The following is an entry in ClinVar:

ClinVar aggregate classification (germline): Benign/Likely benign. Review status: criteria provided, multiple submitters, no conflicts (2 of 4 stars). 3 submissions from 3 submitters: Benign (1); Likely benign (2). Last evaluated 2026-01-21.

Conditions:
Hereditary cancer-predisposing syndrome. Also called: Tumor predisposition; Neoplastic Syndromes, Hereditary; Hereditary neoplastic syndrome; Hereditary Cancer Syndrome. Identifiers: Orphanet 140162, MedGen C0027672, MeSH D009386, MONDO:0015356.
Papillary renal cell carcinoma type 1 (RCCP1). Also called: RENAL CELL CARCINOMA, PAPILLARY, 1, SOMATIC; Renal adenocarcinoma; Renal cell carcinoma 1; Renal cell carcinoma, somatic. Identifiers: Orphanet 47044, MedGen C1336839, OMIM 605074, HP:0011797.
Renal cell carcinoma. Identifiers: Orphanet 217071, MedGen C0007134, MeSH D002292, MONDO:0005086, HP:0005584.

Allele frequency attached by ClinVar (database versions not stated): gnomAD 0.00001; TOPMed 0.00001.
gnomAD v4.1: 6 of 1,613,814 alleles (0.00037%); highest among the groups gnomAD compares: Non-Finnish European, 0.00051%; no homozygotes.

Submissions (3):

Labcorp Genetics (formerly Invitae), Labcorp
Classification: Likely benign for Renal cell carcinoma. Last evaluated: 2026-01-21. Review status: criteria provided, single submitter. Criteria: Invitae Variant Classification Sherloc (09022015). Collection method: clinical testing. Allele origin: germline.

Myriad Genetics, Inc.
Classification: Benign for Papillary renal cell carcinoma type 1. Last evaluated: 2024-11-05. Review status: criteria provided, single submitter. Criteria: Myriad Autosomal Dominant, Autosomal Recessive and X-Linked Classification Criteria (2023). Collection method: clinical testing. Allele origin: unknown.
Comment: This variant is considered benign. This variant is a silent/synonymous amino acid change and it is not expected to impact splicing.

Ambry Genetics
Classification: Likely benign for Hereditary cancer-predisposing syndrome. Last evaluated: 2021-03-04. Review status: criteria provided, single submitter. Criteria: Ambry Variant Classification Scheme 2023. Collection method: clinical testing. Allele origin: germline.

NM_000245.4(MET):c.88C>T (p.Leu30=)

Gene: MET (MET proto-oncogene, receptor tyrosine kinase; plus strand). Cytogenetic location: 7q31.2.
Variant type: single nucleotide variant.
Coding change: c.88C>T on transcript NM_000245.4 (MANE Select); coding-DNA position 88, C replaced by T.
Protein change: p.Leu30=; no amino-acid change (leucine 30 retained).
Molecular consequence: synonymous variant. On other transcripts: intron variant (1).
Genome position (GRCh38, 1-based): chr7:116,699,172, C>T. VCF-style: chr7-116699172-C-T. GRCh37 (hg19) VCF-style: chr7-116339226-C-T.
Other names: c.88C>T, p.Leu30= (NM_001127500.3, NM_001324401.3); c.-91+26595C>T (NM_001324402.2).
Identifiers: ClinVar variation 416925 (VCV000416925.15), dbSNP rs1060504939, ClinGen allele CA16612234.